The following is an entry in ClinVar:

ClinVar aggregate classification (germline): Uncertain significance (1 of 4 stars; one submission).

Conditions:
Warburg micro syndrome 2 (WARBM2). Also called: MICRO SYNDROME 2. Identifiers: Orphanet 2510, MedGen C3280214, MONDO:0013641, OMIM 614225.
Martsolf syndrome (MARTS). Also called: Congenital cataract with intellectual disability and hypogonadotropic hypogonadism syndrome. Identifiers: Orphanet 1387, MedGen C0796037, MONDO:0023910.

Allele frequency attached by ClinVar (database versions not stated): TOPMed below 0.00001; ExAC 0.00001; gnomAD exomes 0.00001.
gnomAD v4.1: 6 of 1,614,018 alleles (0.00037%); highest among the groups gnomAD compares: Admixed American, 0.0083%; no homozygotes.

Submission:

Labcorp Genetics (formerly Invitae), Labcorp
Classification: Uncertain significance for Martsolf syndrome; Warburg micro syndrome 2. Last evaluated: 2024-08-14. Review status: criteria provided, single submitter. Criteria: Invitae Variant Classification Sherloc (09022015). Collection method: clinical testing. Allele origin: germline.
Comment: This sequence change replaces glutamine, which is neutral and polar, with arginine, which is basic and polar, at codon 456 of the RAB3GAP2 protein (p.Gln456Arg). This variant is present in population databases (rs756269445, gnomAD 0.01%). This variant has not been reported in the literature in individuals affected with RAB3GAP2-related conditions. ClinVar contains an entry for this variant (Variation ID: 2144375). Invitae Evidence Modeling of protein sequence and biophysical properties (such as structural, functional, and spatial information, amino acid conservation, physicochemical variation, residue mobility, and thermodynamic stability) indicates that this missense variant is not expected to disrupt RAB3GAP2 protein function with a negative predictive value of 80%. In summary, the available evidence is currently insufficient to determine the role of this variant in disease. Therefore, it has been classified as a Variant of Uncertain Significance.

NM_012414.4(RAB3GAP2):c.1367A>G (p.Gln456Arg)

Gene: RAB3GAP2 (RAB3 GTPase activating non-catalytic protein subunit 2; minus strand). Cytogenetic location: 1q41.
Variant type: single nucleotide variant.
Coding change: c.1367A>G on transcript NM_012414.4 (MANE Select); coding-DNA position 1367, A replaced by G.
Protein change: p.Gln456Arg; replaces glutamine 456 with arginine.
Molecular consequence: missense variant.
Genome position (GRCh38, 1-based): chr1:220,191,188, T>C on the plus strand (A>G on the coding strand, the complement: RAB3GAP2 is on the minus strand). VCF-style: chr1-220191188-T-C. GRCh37 (hg19) VCF-style: chr1-220364530-T-C.
Other names: short protein forms Q456R.
Identifiers: ClinVar variation 2144375 (VCV002144375.4), dbSNP rs756269445, ClinGen allele CA1402714.